The following is an entry in ClinVar:

ClinVar aggregate classification (germline): Benign (1 of 4 stars; one submission).

Conditions:
Charcot-Marie-Tooth disease type 1C. Also called: HMSN IC; CHARCOT-MARIE-TOOTH NEUROPATHY, TYPE 1C; NEUROPATHY, HEREDITARY MOTOR AND SENSORY, TYPE IC; CHARCOT-MARIE-TOOTH DISEASE, DEMYELINATING, TYPE 1C; Charcot-Marie-Tooth disease, type IC; CMT, SLOW NERVE CONDUCTION TYPE C. Identifiers: Orphanet 101083, MedGen C0270913, MONDO:0010995, OMIM 601098.

Allele frequency attached by ClinVar (database versions not stated): gnomAD 0.00005 and 0.00003; TOPMed 0.00012; 1000 Genomes Project 0.00040; 1000 Genomes Project 30x 0.00062.
gnomAD v4.1: 8 of 152,430 alleles (0.0052%); highest among the groups gnomAD compares: East Asian, 0.14%; no homozygotes.

Submission:

Illumina Laboratory Services, Illumina
Classification: Benign for Charcot-Marie-Tooth disease type 1C. Last evaluated: 2018-01-12. Review status: criteria provided, single submitter. Criteria: ICSL Variant Classification Criteria 13 December 2019. Collection method: clinical testing. Allele origin: germline.
Comment: This variant was observed in the ICSL laboratory as part of a predisposition screen in an ostensibly healthy population. It had not been previously curated by ICSL or reported in the Human Gene Mutation Database (HGMD: prior to June 1st, 2018), and was therefore a candidate for classification through an automated scoring system. Utilizing variant allele frequency, disease prevalence and penetrance estimates, and inheritance mode, an automated score was calculated to assess if this variant is too frequent to cause the disease. Based on the score and internal cut-off values, a variant classified as benign is not then subjected to further curation. The score for this variant resulted in a classification of benign for this disease.

NM_001136472.2(LITAF):c.-6+558C>T

Gene: LITAF (lipopolysaccharide induced TNF factor; minus strand). Cytogenetic location: 16p13.13.
Variant type: single nucleotide variant.
Coding change: c.-6+558C>T on transcript NM_001136472.2 (MANE Select); 558 bases into the intron after 6 bases upstream of the start codon, C replaced by T.
Molecular consequence: intron variant.
Genome position (GRCh38, 1-based): chr16:11,586,328, G>A on the plus strand (C>T on the coding strand, the complement: LITAF is on the minus strand). VCF-style: chr16-11586328-G-A. GRCh37 (hg19) VCF-style: chr16-11680184-G-A.
Other names: c.-6+558C>T (NM_001136473.1).
Identifiers: ClinVar variation 317793 (VCV000317793.7), dbSNP rs528624227, ClinGen allele CA10642896.